The following is an entry in ClinVar:

NM_001486.4(GCKR):c.1576T>G (p.Phe526Val)

Gene: GCKR (glucokinase regulator; plus strand). Cytogenetic location: 2p23.3.
Variant type: single nucleotide variant.
Coding change: c.1576T>G on transcript NM_001486.4 (MANE Select); coding-DNA position 1576, T replaced by G.
Protein change: p.Phe526Val; replaces phenylalanine 526 with valine.
Molecular consequence: missense variant.
Genome position (GRCh38, 1-based): chr2:27,522,463, T>G. VCF-style: chr2-27522463-T-G. GRCh37 (hg19) VCF-style: chr2-27745330-T-G.
Other names: c.1576T>G (NM_001486.3); short protein forms F526V.
Identifiers: ClinVar variation 2365244 (VCV002365244.8), dbSNP rs149772322, ClinGen allele CA1582047.

ClinVar aggregate classification (germline): Uncertain significance. Review status: criteria provided, multiple submitters, no conflicts (2 of 4 stars). 2 submissions from 2 submitters: Uncertain significance (2). Last evaluated 2024-04-09.

Allele frequency attached by ClinVar (database versions not stated): ExAC 0.00003; gnomAD 0.00006; TOPMed 0.00006; gnomAD exomes 0.00008; ESP Exome Variant Server 0.00015.
gnomAD v4.1: 126 of 1,613,882 alleles (0.0078%); highest among the groups gnomAD compares: Non-Finnish European, 0.01%; no homozygotes.

Submissions (2):

Labcorp Genetics (formerly Invitae), Labcorp
Classification: Uncertain significance. Last evaluated: 2024-04-09. Review status: criteria provided, single submitter. Criteria: Invitae Variant Classification Sherloc (09022015). Collection method: clinical testing. Allele origin: germline.
Comment: This sequence change replaces phenylalanine, which is neutral and non-polar, with valine, which is neutral and non-polar, at codon 526 of the GCKR protein (p.Phe526Val). This variant is present in population databases (rs149772322, gnomAD 0.01%). This variant has not been reported in the literature in individuals affected with GCKR-related conditions. ClinVar contains an entry for this variant (Variation ID: 2365244). Advanced modeling of protein sequence and biophysical properties (such as structural, functional, and spatial information, amino acid conservation, physicochemical variation, residue mobility, and thermodynamic stability) performed at Invitae indicates that this missense variant is not expected to disrupt GCKR protein function with a negative predictive value of 80%. In summary, the available evidence is currently insufficient to determine the role of this variant in disease. Therefore, it has been classified as a Variant of Uncertain Significance.

Ambry Genetics
Classification: Uncertain significance. Last evaluated: 2022-01-04. Review status: criteria provided, single submitter. Criteria: Ambry Variant Classification Scheme 2023. Collection method: clinical testing. Allele origin: germline.